The following is an entry in ClinVar:

NM_001374353.1(GLI2):c.317A>G (p.His106Arg)

Gene: GLI2 (GLI family zinc finger 2; plus strand). Cytogenetic location: 2q14.2.
Variant type: single nucleotide variant.
Coding change: c.317A>G on transcript NM_001374353.1 (MANE Select); coding-DNA position 317, A replaced by G.
Protein change: p.His106Arg; replaces histidine 106 with arginine.
Molecular consequence: missense variant. On other transcripts: 5 prime UTR variant (1).
Genome position (GRCh38, 1-based): chr2:120,951,305, A>G. VCF-style: chr2-120951305-A-G. GRCh37 (hg19) VCF-style: chr2-121708881-A-G.
Other names: c.317A>G, p.His106Arg (NM_001371271.1, NM_005270.5); c.-59A>G (NM_001374354.1); short protein forms H106R.
Identifiers: ClinVar variation 2938053 (VCV002938053.3), dbSNP rs2104950582, ClinGen allele CA348161836.

ClinVar aggregate classification (germline): Uncertain significance (1 of 4 stars; one submission).

Conditions:
Holoprosencephaly 9 (HPE9). Also called: PITUITARY ANOMALIES WITH HOLOPROSENCEPHALY-LIKE FEATURES; HOLOPROSENCEPHALY WITH MICROPHTHALMIA AND FIRST BRANCHIAL ARCH ANOMALIES. Identifiers: Orphanet 2162, MedGen C1835819, MONDO:0012563, OMIM 610829.
Postaxial polydactyly-anterior pituitary anomalies-facial dysmorphism syndrome. Also called: Culler-Jones syndrome. Identifiers: Orphanet 420584, MedGen C4014479, MONDO:0014369, OMIM 615849.

Submission:

Labcorp Genetics (formerly Invitae), Labcorp
Classification: Uncertain significance for Postaxial polydactyly-anterior pituitary anomalies-facial dysmorphism syndrome; Holoprosencephaly 9. Last evaluated: 2023-10-22. Review status: criteria provided, single submitter. Criteria: Invitae Variant Classification Sherloc (09022015). Collection method: clinical testing. Allele origin: germline.
Comment: This sequence change replaces histidine, which is basic and polar, with arginine, which is basic and polar, at codon 106 of the GLI2 protein (p.His106Arg). This variant is not present in population databases (gnomAD no frequency). This variant has not been reported in the literature in individuals affected with GLI2-related conditions. An algorithm developed to predict the effect of missense changes on protein structure and function (PolyPhen-2) suggests that this variant is likely to be disruptive. In summary, the available evidence is currently insufficient to determine the role of this variant in disease. Therefore, it has been classified as a Variant of Uncertain Significance.